The following is an entry in ClinVar:

ClinVar aggregate classification (germline): Uncertain significance. Review status: criteria provided, multiple submitters, no conflicts (2 of 4 stars). 4 submissions from 4 submitters: Uncertain significance (4). Last evaluated 2025-09-25.

Conditions:
Inborn genetic diseases. Identifiers: MedGen C0950123, MeSH D030342.
SKIN/HAIR/EYE PIGMENTATION 1, BLUE/NONBLUE EYES (SHEP1). Also called: BROWN EYE COLOR 2; SKIN/HAIR/EYE PIGMENTATION 1, BLOND/BROWN HAIR; SKIN/HAIR/EYE PIGMENTATION 1, BLUE/BROWN EYES; EYE COLOR 3; EYE COLOR, BLUE/NONBLUE; EYE COLOR, BROWN/BLUE. Identifiers: MedGen C1856895, OMIM 227220.
Developmental delay with autism spectrum disorder and gait instability (MRT38). Also called: Intellectual developmental disorder, autosomal recessive 38. Identifiers: Orphanet 329195, MedGen C3809753, MONDO:0014224, OMIM 615516.
Prader-Willi syndrome (PWS). Identifiers: Orphanet 739, MedGen C0032897, MONDO:0008300, OMIM 176270. Disease mechanism: Microdeletion, loss of function. Inheritance: Microdletion.

Allele frequency attached by ClinVar (database versions not stated): gnomAD exomes 0.00002 and 0.00003; ExAC 0.00003; gnomAD 0.00004; TOPMed 0.00005; ESP Exome Variant Server 0.00031.
gnomAD v4.1: 37 of 1,611,736 alleles (0.0023%); highest among the groups gnomAD compares: Non-Finnish European, 0.0028%; no homozygotes.

Submissions (4):

GeneDx
Classification: Uncertain significance. Last evaluated: 2025-09-25. Review status: criteria provided, single submitter. Criteria: GeneDx Variant Classification Process June 2021. Collection method: clinical testing. Allele origin: germline. Affected: yes.
Comment: In silico analysis suggests that this missense variant does not alter protein structure/function; Has not been previously published as pathogenic or benign to our knowledge

Ambry Genetics
Classification: Uncertain significance for Inborn genetic diseases. Last evaluated: 2025-06-17. Review status: criteria provided, single submitter. Criteria: Ambry Variant Classification Scheme 2023. Collection method: clinical testing. Allele origin: germline.

CeGaT Center for Human Genetics Tuebingen
Classification: Uncertain significance. Last evaluated: 2024-03-01. Review status: criteria provided, single submitter. Criteria: CeGaT Center For Human Genetics Tuebingen Variant Classification Criteria Version 2. Collection method: clinical testing. Allele origin: germline. Affected: yes. Observed: 1 variant allele.
Comment: HERC2: PM2

Fulgent Genetics
Classification: Uncertain significance for Prader-Willi syndrome; SKIN/HAIR/EYE PIGMENTATION 1, BLUE/NONBLUE EYES; Developmental delay with autism spectrum disorder and gait instability. Last evaluated: 2018-10-31. Review status: criteria provided, single submitter. Criteria: ACMG Guidelines, 2015. Collection method: clinical testing. Allele origin: unknown.

NM_004667.6(HERC2):c.13612G>A (p.Val4538Met)

Gene: HERC2 (HECT and RLD domain containing E3 ubiquitin protein ligase 2; minus strand). Cytogenetic location: 15q13.1.
Variant type: single nucleotide variant.
Coding change: c.13612G>A on transcript NM_004667.6 (MANE Select); coding-DNA position 13612, G replaced by A.
Protein change: p.Val4538Met; replaces valine 4538 with methionine.
Molecular consequence: missense variant.
Genome position (GRCh38, 1-based): chr15:28,115,539, C>T on the plus strand (G>A on the coding strand, the complement: HERC2 is on the minus strand). VCF-style: chr15-28115539-C-T. GRCh37 (hg19) VCF-style: chr15-28360685-C-T.
Other names: c.13612G>A (NM_004667.4); short protein forms V4538M.
Identifiers: ClinVar variation 392903 (VCV000392903.26), dbSNP rs149338352, ClinGen allele CA7439894.